The following is an entry in ClinVar:

NM_000239.3(LYZ):c.94A>G (p.Arg32Gly)

Gene: LYZ (lysozyme; plus strand). Cytogenetic location: 12q15.
Variant type: single nucleotide variant.
Coding change: c.94A>G on transcript NM_000239.3 (MANE Select); coding-DNA position 94, A replaced by G.
Protein change: p.Arg32Gly; replaces arginine 32 with glycine.
Molecular consequence: missense variant.
Genome position (GRCh38, 1-based): chr12:69,348,502, A>G. VCF-style: chr12-69348502-A-G. GRCh37 (hg19) VCF-style: chr12-69742282-A-G.
Other names: short protein forms R32G.
Identifiers: ClinVar variation 3681797 (VCV003681797.2).

ClinVar aggregate classification (germline): Uncertain significance (1 of 4 stars; one submission).

Submission:

Labcorp Genetics (formerly Invitae), Labcorp
Classification: Uncertain significance. Last evaluated: 2024-09-18. Review status: criteria provided, single submitter. Criteria: Invitae Variant Classification Sherloc (09022015). Collection method: clinical testing. Allele origin: germline.
Comment: This sequence change replaces arginine, which is basic and polar, with glycine, which is neutral and non-polar, at codon 32 of the LYZ protein (p.Arg32Gly). This variant is not present in population databases (gnomAD no frequency). This variant has not been reported in the literature in individuals affected with LYZ-related conditions. An algorithm developed to predict the effect of missense changes on protein structure and function (PolyPhen-2) suggests that this variant is likely to be tolerated. In summary, the available evidence is currently insufficient to determine the role of this variant in disease. Therefore, it has been classified as a Variant of Uncertain Significance.